The following is an entry in ClinVar:

NM_000057.4(BLM):c.3035A>G (p.Asn1012Ser)

Gene: BLM (BLM RecQ like helicase; plus strand). Cytogenetic location: 15q26.1.
Variant type: single nucleotide variant.
Coding change: c.3035A>G on transcript NM_000057.4 (MANE Select); coding-DNA position 3035, A replaced by G.
Protein change: p.Asn1012Ser; replaces asparagine 1012 with serine.
Molecular consequence: missense variant.
Genome position (GRCh38, 1-based): chr15:90,794,182, A>G. VCF-style: chr15-90794182-A-G. GRCh37 (hg19) VCF-style: chr15-91337412-A-G.
Other names: c.3035A>G, p.Asn1012Ser (NM_001287246.2, NM_001287247.2); c.1910A>G, p.Asn637Ser (NM_001287248.2); short protein forms N637S, N1012S.
Identifiers: ClinVar variation 1041008 (VCV001041008.9), dbSNP rs1896971948, ClinGen allele CA393846683.
Genomic context (GRCh38, chr15:90,794,182, plus strand): 5'-TTTTCCCCTATAAGTATGTCTTACTATAGTCTTCATCTCTTTTAGTGGAAAAAGATGGAA[A>G]CCATCATACAAGAGAAACTCACTTCAATAATTTGTATAGCATGGTACATTACTGTGAAAA-3'
Protein context (NP_000048.1, residues 1002-1022): KRLIMMEKDG[Asn1012Ser]HHTRETHFNN

ClinVar aggregate classification (germline): Uncertain significance (1 of 4 stars; one submission).

Conditions:
Bloom syndrome (BLM). Also called: Bloom-Torre-Machacek syndrome. Identifiers: Orphanet 125, MedGen C0005859, MONDO:0008876, OMIM 210900.

Submission:

Labcorp Genetics (formerly Invitae), Labcorp
Classification: Uncertain significance for Bloom syndrome. Last evaluated: 2020-10-05. Review status: criteria provided, single submitter. Criteria: Invitae Variant Classification Sherloc (09022015). Collection method: clinical testing. Allele origin: germline.
Comment: This variant has not been reported in the literature in individuals with BLM-related conditions. In summary, the available evidence is currently insufficient to determine the role of this variant in disease. Therefore, it has been classified as a Variant of Uncertain Significance. This sequence change replaces asparagine with serine at codon 1012 of the BLM protein (p.Asn1012Ser). The asparagine residue is moderately conserved and there is a small physicochemical difference between asparagine and serine. This variant is not present in population databases (ExAC no frequency). Algorithms developed to predict the effect of missense changes on protein structure and function are either unavailable or do not agree on the potential impact of this missense change (SIFT: "Tolerated"; PolyPhen-2: "Possibly Damaging"; Align-GVGD: "Class C0").